The following is an entry in ClinVar:

NM_001079843.3(CASZ1):c.2375A>G (p.Asn792Ser)

Gene: CASZ1 (castor zinc finger 1; minus strand). Cytogenetic location: 1p36.22.
Variant type: single nucleotide variant.
Coding change: c.2375A>G on transcript NM_001079843.3 (MANE Select); coding-DNA position 2375, A replaced by G.
Protein change: p.Asn792Ser; replaces asparagine 792 with serine.
Molecular consequence: missense variant.
Genome position (GRCh38, 1-based): chr1:10,653,682, T>C on the plus strand (A>G on the coding strand, the complement: CASZ1 is on the minus strand). VCF-style: chr1-10653682-T-C. GRCh37 (hg19) VCF-style: chr1-10713739-T-C.
Other names: c.2375A>G, p.Asn792Ser (NM_017766.5); short protein forms N792S.
Identifiers: ClinVar variation 2897832 (VCV002897832.3), dbSNP rs144893147, ClinGen allele CA584890.

ClinVar aggregate classification (germline): Uncertain significance (1 of 4 stars; one submission).

Allele frequency attached by ClinVar (database versions not stated): gnomAD 0.00001; ESP Exome Variant Server 0.00008; TOPMed 0.00002.
gnomAD v4.1: 48 of 1,563,032 alleles (0.0031%); highest among the groups gnomAD compares: East Asian, 0.0045%; no homozygotes.

Submission:

Labcorp Genetics (formerly Invitae), Labcorp
Classification: Uncertain significance. Last evaluated: 2025-06-22. Review status: criteria provided, single submitter. Criteria: Invitae Variant Classification Sherloc (09022015). Collection method: clinical testing. Allele origin: germline.
Comment: This sequence change replaces asparagine, which is neutral and polar, with serine, which is neutral and polar, at codon 792 of the CASZ1 protein (p.Asn792Ser). This variant is present in population databases (rs144893147, gnomAD 0.004%). This variant has not been reported in the literature in individuals affected with CASZ1-related conditions. ClinVar contains an entry for this variant (Variation ID: 2897832). An algorithm developed to predict the effect of missense changes on protein structure and function outputs the following: PolyPhen-2: "Benign". The serine amino acid residue is found in multiple mammalian species, which suggests that this missense change does not adversely affect protein function. In summary, the available evidence is currently insufficient to determine the role of this variant in disease. Therefore, it has been classified as a Variant of Uncertain Significance.